The following is an entry in ClinVar:

ClinVar aggregate classification (germline): Uncertain significance. Review status: criteria provided, multiple submitters, no conflicts (2 of 4 stars). 3 submissions from 3 submitters: Uncertain significance (3). Last evaluated 2024-05-18.

Conditions:
Inborn genetic diseases. Identifiers: MedGen C0950123, MeSH D030342.

Allele frequency attached by ClinVar (database versions not stated): gnomAD exomes below 0.00001; TOPMed below 0.00001; ExAC 0.00001.
gnomAD v4.1: 3 of 1,613,782 alleles (0.00019%); highest among the groups gnomAD compares: Non-Finnish European, 0.00017%; no homozygotes.

Submissions (3):

Labcorp Genetics (formerly Invitae), Labcorp
Classification: Uncertain significance. Last evaluated: 2024-05-18. Review status: criteria provided, single submitter. Criteria: Invitae Variant Classification Sherloc (09022015). Collection method: clinical testing. Allele origin: germline.
Comment: This sequence change replaces arginine, which is basic and polar, with leucine, which is neutral and non-polar, at codon 204 of the GNAT1 protein (p.Arg204Leu). The frequency data for this variant in the population databases is considered unreliable, as metrics indicate poor data quality at this position in the gnomAD database. This variant has not been reported in the literature in individuals affected with GNAT1-related conditions. Advanced modeling of protein sequence and biophysical properties (such as structural, functional, and spatial information, amino acid conservation, physicochemical variation, residue mobility, and thermodynamic stability) performed at Invitae indicates that this missense variant is expected to disrupt GNAT1 protein function with a positive predictive value of 80%. In summary, the available evidence is currently insufficient to determine the role of this variant in disease. Therefore, it has been classified as a Variant of Uncertain Significance.

Ambry Genetics
Classification: Uncertain significance for Inborn genetic diseases. Last evaluated: 2023-12-18. Review status: criteria provided, single submitter. Criteria: Ambry Variant Classification Scheme 2023. Collection method: clinical testing. Allele origin: germline.

Blueprint Genetics
Classification: Uncertain significance. Last evaluated: 2022-01-11. Review status: criteria provided, single submitter. Criteria: ACMG Guidelines, 2015. Collection method: clinical testing. Allele origin: germline.

NM_144499.3(GNAT1):c.611G>T (p.Arg204Leu)

Gene: GNAT1 (G protein subunit alpha transducin 1; plus strand). Cytogenetic location: 3p21.31.
Variant type: single nucleotide variant.
Coding change: c.611G>T on transcript NM_144499.3 (MANE Select); coding-DNA position 611, G replaced by T.
Protein change: p.Arg204Leu; replaces arginine 204 with leucine.
Molecular consequence: missense variant.
Genome position (GRCh38, 1-based): chr3:50,194,124, G>T. VCF-style: chr3-50194124-G-T. GRCh37 (hg19) VCF-style: chr3-50231557-G-T.
Other names: c.611G>T, p.Arg204Leu (NM_000172.4); short protein forms R204L.
Identifiers: ClinVar variation 3100567 (VCV003100567.4), dbSNP rs749325459, ClinGen allele CA2412658.